The following is an entry in ClinVar:

NM_007347.5(AP4E1):c.2804G>A (p.Trp935Ter)

Gene: AP4E1 (adaptor related protein complex 4 subunit epsilon 1; plus strand). Cytogenetic location: 15q21.2.
Variant type: single nucleotide variant.
Coding change: c.2804G>A on transcript NM_007347.5 (MANE Select); coding-DNA position 2804, G replaced by A.
Protein change: p.Trp935Ter; replaces tryptophan 935 with a stop codon.
Molecular consequence: nonsense.
Genome position (GRCh38, 1-based): chr15:50,997,783, G>A. VCF-style: chr15-50997783-G-A. GRCh37 (hg19) VCF-style: chr15-51289980-G-A.
Other names: c.2579G>A, p.Trp860Ter (NM_001252127.2); short protein forms W860*, W935*.
Identifiers: ClinVar variation 1696296 (VCV001696296.2), dbSNP rs2064899680, ClinGen allele CA392420772.

ClinVar aggregate classification (germline): Pathogenic (1 of 4 stars; one submission).

Conditions:
Hereditary spastic paraplegia 51. Also called: CEREBRAL PALSY, SPASTIC QUADRIPLEGIC, 4; Spastic paraplegia 51, autosomal recessive. Identifiers: Orphanet 280763, MedGen C3151056, MONDO:0013401, OMIM 613744.

Allele frequency attached by ClinVar (database versions not stated): gnomAD 0.00001.
gnomAD v4.1: 1 of 1,609,690 alleles (0.000062%); highest among the groups gnomAD compares: African/African-American, 0.0013%; no homozygotes.

Submission:

Women's Health and Genetics/Laboratory Corporation of America, LabCorp
Classification: Pathogenic for Hereditary spastic paraplegia 51. Last evaluated: 2024-11-15. Review status: criteria provided, single submitter. Criteria: LabCorp Variant Classification Summary - May 2015. Collection method: clinical testing. Allele origin: germline.
Comment: Variant summary: AP4E1 c.2804G>A (p.Trp935X) results in a premature termination codon, predicted to cause a truncation of the encoded protein or absence of the protein due to nonsense mediated decay, which are commonly known mechanisms for disease. The variant was absent in 248776 control chromosomes. To our knowledge, no occurrence of c.2804G>A in individuals affected with Hereditary Spastic Paraplegia 51 and no experimental evidence demonstrating its impact on protein function have been reported. ClinVar contains an entry for this variant (Variation ID: 1696296). Based on the evidence outlined above, the variant was classified as pathogenic.